The following is an entry in ClinVar:

ClinVar aggregate classification (germline): Likely benign. Review status: criteria provided, multiple submitters, no conflicts (2 of 4 stars). 2 submissions from 2 submitters: Likely benign (2). Last evaluated 2026-07-01.

Conditions:
Developmental and epileptic encephalopathy 94 (DEE94). Also called: Epileptic encephalopathy, childhood-onset; CHD2-Related Neurodevelopmental Disorders. Identifiers: Orphanet 1942, Orphanet 2382, MedGen C3809278, MONDO:0014150, OMIM 615369.

Allele frequency attached by ClinVar (database versions not stated): gnomAD exomes below 0.00001; TOPMed 0.00001; ExAC 0.00002.
gnomAD v4.1: 1 of 1,612,658 alleles (0.000062%); highest among the groups gnomAD compares: Admixed American, 0.0017%; no homozygotes.

Submissions (2):

CeGaT Center for Human Genetics Tuebingen
Classification: Likely benign. Last evaluated: 2026-07-01. Review status: criteria provided, single submitter. Criteria: CeGaT Center For Human Genetics Tuebingen Variant Classification Criteria Version 2. Collection method: clinical testing. Allele origin: germline. Affected: yes. Observed: 1 variant allele.
Comment: CHD2: BP4, BP7

Labcorp Genetics (formerly Invitae), Labcorp
Classification: Likely benign for Developmental and epileptic encephalopathy 94. Last evaluated: 2023-10-13. Review status: criteria provided, single submitter. Criteria: Invitae Variant Classification Sherloc (09022015). Collection method: clinical testing. Allele origin: germline.

NM_001271.4(CHD2):c.2310C>T (p.Pro770=)

Gene: CHD2 (chromodomain helicase DNA binding protein 2; plus strand). Cytogenetic location: 15q26.1.
Variant type: single nucleotide variant.
Coding change: c.2310C>T on transcript NM_001271.4 (MANE Select); coding-DNA position 2310, C replaced by T.
Protein change: p.Pro770=; no amino-acid change (proline 770 retained).
Molecular consequence: synonymous variant.
Genome position (GRCh38, 1-based): chr15:92,971,885, C>T. VCF-style: chr15-92971885-C-T. GRCh37 (hg19) VCF-style: chr15-93515115-C-T.
Identifiers: ClinVar variation 2158358 (VCV002158358.5), dbSNP rs764694705, ClinGen allele CA7747953.